The following is an entry in ClinVar:

ClinVar aggregate classification (germline): Uncertain significance (1 of 4 stars; one submission).

Conditions:
Fanconi anemia (FA). Also called: Fanconi's anemia. Identifiers: Orphanet 84, MedGen C0015625, MeSH D005199, MONDO:0019391.

Submission:

Labcorp Genetics (formerly Invitae), Labcorp
Classification: Uncertain significance for Fanconi anemia. Last evaluated: 2022-01-16. Review status: criteria provided, single submitter. Criteria: Invitae Variant Classification Sherloc (09022015). Collection method: clinical testing. Allele origin: germline.
Comment: In summary, the available evidence is currently insufficient to determine the role of this variant in disease. Therefore, it has been classified as a Variant of Uncertain Significance. This variant, c.3697_3699del, results in the deletion of 1 amino acid(s) of the FANCD2 protein (p.Val1233del), but otherwise preserves the integrity of the reading frame. This variant is not present in population databases (gnomAD no frequency). This variant has been observed in individual(s) with esophageal squamous cell carcinoma (PMID: 21279724). Experimental studies and prediction algorithms are not available or were not evaluated, and the functional significance of this variant is currently unknown.

Literature cited by the submitters: PubMed 21279724.

NM_001018115.3(FANCD2):c.3694GTT[1] (p.Val1233del)

Genes: FANCD2 (FA complementation group D2; plus strand), FANCD2OS (FANCD2 opposite strand; minus strand). Cytogenetic location: 3p25.3.
Variant type: Microsatellite.
Coding change: c.3694GTT[1] on transcript NM_001018115.3 (MANE Select); one copy of the 3-base unit GTT starting at c.3694; the reference has two copies in a row; one copy, 3 bases deleted.
Protein change: p.Val1233del; deletes valine 1233.
Molecular consequence: inframe deletion. On other transcripts: intron variant (1).
Genome position (GRCh38, 1-based): chr3:10,090,305-10,090,307, GTT deleted; deleting any 3 consecutive bases within chr3:10,090,300-10,090,307 gives the same sequence; the position shown is the placement nearest the transcript's 3' end. VCF-style (leftmost placement, unchanged base first): chr3-10090299-TTTG-T. GRCh37 (hg19) VCF-style: chr3-10131983-TTTG-T.
Other names: c.3694GTT[1], p.Val1233del (NM_001319984.2, NM_001374254.1, NM_033084.6); c.3583GTT[1], p.Val1196del (NM_001374253.1); c.*44-8771_*44-8769del (NM_173472.2); short protein forms V1196del, V1233del.
Identifiers: ClinVar variation 2203304 (VCV002203304.3), dbSNP rs1694511154, ClinGen allele CA1345047326.